The following is an entry in ClinVar:

NM_001267550.2(TTN):c.11311+3867A>G

Gene: TTN (titin; minus strand). Cytogenetic location: 2q31.2.
Variant type: single nucleotide variant.
Coding change: c.11311+3867A>G on transcript NM_001267550.2 (MANE Select); 3867 bases into the intron after coding-DNA position 11311, A replaced by G.
Molecular consequence: intron variant. On other transcripts: synonymous variant (1).
Genome position (GRCh38, 1-based): chr2:178,749,257, T>C on the plus strand (A>G on the coding strand, the complement: TTN is on the minus strand). VCF-style: chr2-178749257-T-C. GRCh37 (hg19) VCF-style: chr2-179613984-T-C.
Other names: c.13143A>G, p.Pro4381= (NM_133379.5); c.10222+3867A>G (NM_003319.4); c.10798+3867A>G (NM_133437.4); c.10597+3867A>G (NM_133432.3); c.10360+3867A>G (NM_133378.4, NM_001256850.1).
Identifiers: ClinVar variation 3027275 (VCV003027275.22), dbSNP rs1380179171, ClinGen allele CA538438032.

ClinVar aggregate classification (germline): Likely benign (1 of 4 stars; one submission).

Allele frequency attached by ClinVar (database versions not stated): gnomAD exomes 0.00001; TOPMed 0.00002; gnomAD 0.00003.
gnomAD v4.1: 17 of 1,611,754 alleles (0.0011%); highest among the groups gnomAD compares: East Asian, 0.0067%; no homozygotes.

Submission:

CeGaT Center for Human Genetics Tuebingen
Classification: Likely benign. Last evaluated: 2024-02-01. Review status: criteria provided, single submitter. Criteria: CeGaT Center For Human Genetics Tuebingen Variant Classification Criteria Version 2. Collection method: clinical testing. Allele origin: germline. Affected: yes. Observed: 1 variant allele.
Comment: TTN: BP4, BP7